The following is an entry in ClinVar:

NM_001006658.3(CR2):c.283A>G (p.Ile95Val)

Gene: CR2 (complement C3d receptor 2; plus strand). Cytogenetic location: 1q32.2.
Variant type: single nucleotide variant.
Coding change: c.283A>G on transcript NM_001006658.3 (MANE Select); coding-DNA position 283, A replaced by G.
Protein change: p.Ile95Val; replaces isoleucine 95 with valine.
Molecular consequence: missense variant.
Genome position (GRCh38, 1-based): chr1:207,466,750, A>G. VCF-style: chr1-207466750-A-G. GRCh37 (hg19) VCF-style: chr1-207640095-A-G.
Other names: c.283A>G, p.Ile95Val (NM_001877.5); short protein forms I95V.
Identifiers: ClinVar variation 1396808 (VCV001396808.6), dbSNP rs750220618, ClinGen allele CA1368395.

ClinVar aggregate classification (germline): Uncertain significance (1 of 4 stars; one submission).

Conditions:
Immunodeficiency, common variable, 7. Identifiers: Orphanet 1572, Orphanet 696894, MedGen C3542922, MONDO:0013862, OMIM 614699.

Allele frequency attached by ClinVar (database versions not stated): gnomAD exomes below 0.00001 and 0.00001; TOPMed 0.00002; ExAC 0.00002.
gnomAD v4.1: 4 of 1,614,142 alleles (0.00025%); highest among the groups gnomAD compares: East Asian, 0.0067%; no homozygotes.

Submission:

Labcorp Genetics (formerly Invitae), Labcorp
Classification: Uncertain significance for Immunodeficiency, common variable, 7. Last evaluated: 2022-06-27. Review status: criteria provided, single submitter. Criteria: Invitae Variant Classification Sherloc (09022015). Collection method: clinical testing. Allele origin: germline.
Comment: This sequence change replaces isoleucine, which is neutral and non-polar, with valine, which is neutral and non-polar, at codon 95 of the CR2 protein (p.Ile95Val). This variant is present in population databases (rs750220618, gnomAD 0.01%). This variant has not been reported in the literature in individuals affected with CR2-related conditions. Algorithms developed to predict the effect of missense changes on protein structure and function output the following: SIFT: "Tolerated"; PolyPhen-2: "Benign"; Align-GVGD: "Class C0". The valine amino acid residue is found in multiple mammalian species, which suggests that this missense change does not adversely affect protein function. In summary, the available evidence is currently insufficient to determine the role of this variant in disease. Therefore, it has been classified as a Variant of Uncertain Significance.